The following is an entry in ClinVar:

NM_001204.7(BMPR2):c.589T>C (p.Ser197Pro)

Gene: BMPR2 (bone morphogenetic protein receptor type 2; plus strand). Cytogenetic location: 2q33.2.
Variant type: single nucleotide variant.
Coding change: c.589T>C on transcript NM_001204.7 (MANE Select); coding-DNA position 589, T replaced by C.
Protein change: p.Ser197Pro; replaces serine 197 with proline.
Molecular consequence: missense variant.
Genome position (GRCh38, 1-based): chr2:202,514,947, T>C. VCF-style: chr2-202514947-T-C. GRCh37 (hg19) VCF-style: chr2-203379670-T-C.
Other names: short protein forms S197P.
Identifiers: ClinVar variation 4827178 (VCV004827178.1).

ClinVar aggregate classification (germline): Uncertain significance (1 of 4 stars; one submission).

Conditions:
Inborn genetic diseases. Identifiers: MedGen C0950123, MeSH D030342.

Submission:

Ambry Genetics
Classification: Uncertain significance for Inborn genetic diseases. Last evaluated: 2026-02-23. Review status: criteria provided, single submitter. Criteria: Ambry Variant Classification Scheme 2023. Collection method: clinical testing. Allele origin: germline.
Comment: The p.S197P variant (also known as c.589T>C), located in coding exon 5 of the BMPR2 gene, results from a T to C substitution at nucleotide position 589. The serine at codon 197 is replaced by proline, an amino acid with similar properties. This amino acid position is conserved. In addition, this alteration is predicted to be deleterious by in silico analysis. Based on the available evidence, the clinical significance of this variant remains unclear.